The following is an entry in ClinVar:

NM_006389.5(HYOU1):c.400G>T (p.Val134Leu)

Gene: HYOU1 (hypoxia up-regulated 1; minus strand). Cytogenetic location: 11q23.3.
Variant type: single nucleotide variant.
Coding change: c.400G>T on transcript NM_006389.5 (MANE Select); coding-DNA position 400, G replaced by T.
Protein change: p.Val134Leu; replaces valine 134 with leucine.
Molecular consequence: missense variant.
Genome position (GRCh38, 1-based): chr11:119,055,204, C>A on the plus strand (G>T on the coding strand, the complement: HYOU1 is on the minus strand). VCF-style: chr11-119055204-C-A. GRCh37 (hg19) VCF-style: chr11-118925916-C-A.
Other names: c.400G>T, p.Val134Leu (NM_001130991.3); short protein forms V134L.
Identifiers: ClinVar variation 1359024 (VCV001359024.8), dbSNP rs1488000726, ClinGen allele CA382952214.
Genomic context (GRCh38, chr11:119,055,204, plus strand): 5'-AGCAGCGTTGCCGAGACCACCTTCCCCAACAGAGCACTCACGAGCTGATCTGAAAGTGCA[C>A]AGTCTGCCTCTGTGGGTCGAAAGTCAGCTCGTGCTCCGGGAAGCGGGCCTGGTAAAGAGC-3'
Protein context (NP_006380.1, residues 124-144): ELTFDPQRQT[Val134Leu]HFQISSQLQF

ClinVar aggregate classification (germline): Uncertain significance (1 of 4 stars; one submission).

Allele frequency attached by ClinVar (database versions not stated): gnomAD 0.00001.
gnomAD v4.1: 1 of 1,613,932 alleles (0.000062%); highest among the groups gnomAD compares: African/African-American, 0.0013%; no homozygotes.

Submission:

Labcorp Genetics (formerly Invitae), Labcorp
Classification: Uncertain significance. Last evaluated: 2024-04-02. Review status: criteria provided, single submitter. Criteria: Invitae Variant Classification Sherloc (09022015). Collection method: clinical testing. Allele origin: germline.
Comment: This sequence change replaces valine, which is neutral and non-polar, with leucine, which is neutral and non-polar, at codon 134 of the HYOU1 protein (p.Val134Leu). This variant is not present in population databases (gnomAD no frequency). This variant has not been reported in the literature in individuals affected with HYOU1-related conditions. ClinVar contains an entry for this variant (Variation ID: 1359024). An algorithm developed to predict the effect of missense changes on protein structure and function (PolyPhen-2) suggests that this variant is likely to be tolerated. In summary, the available evidence is currently insufficient to determine the role of this variant in disease. Therefore, it has been classified as a Variant of Uncertain Significance.